The following is an entry in ClinVar:

NM_001211.6(BUB1B):c.2174A>C (p.Gln725Pro)

Gene: BUB1B (BUB1 mitotic checkpoint serine/threonine kinase B; plus strand). Cytogenetic location: 15q15.1.
Variant type: single nucleotide variant.
Coding change: c.2174A>C on transcript NM_001211.6 (MANE Select); coding-DNA position 2174, A replaced by C.
Protein change: p.Gln725Pro; replaces glutamine 725 with proline.
Molecular consequence: missense variant.
Genome position (GRCh38, 1-based): chr15:40,209,665, A>C. VCF-style: chr15-40209665-A-C. GRCh37 (hg19) VCF-style: chr15-40501866-A-C.
Other names: c.2174A>C (NM_001211.5); short protein forms Q725P.
Identifiers: ClinVar variation 1502781 (VCV001502781.8), dbSNP rs2140906180, ClinGen allele CA391694228.

ClinVar aggregate classification (germline): Uncertain significance. Review status: criteria provided, multiple submitters, no conflicts (2 of 4 stars). 2 submissions from 2 submitters: Uncertain significance (2). Last evaluated 2025-07-31.

Conditions:
Mosaic variegated aneuploidy syndrome 1 (MVA1). Also called: Warburton-Anyane-Yeboa syndrome. Identifiers: Orphanet 1052, MedGen C1850343, MONDO:0009759, OMIM 257300.
Inborn genetic diseases. Identifiers: MedGen C0950123, MeSH D030342.

gnomAD v4.1: 8 of 1,614,124 alleles (0.0005%); highest among the groups gnomAD compares: African/African-American, 0.0067%; no homozygotes.

Submissions (2):

Labcorp Genetics (formerly Invitae), Labcorp
Classification: Uncertain significance for Mosaic variegated aneuploidy syndrome 1. Last evaluated: 2025-07-31. Review status: criteria provided, single submitter. Criteria: Invitae Variant Classification Sherloc (09022015). Collection method: clinical testing. Allele origin: germline.
Comment: This sequence change replaces glutamine, which is neutral and polar, with proline, which is neutral and non-polar, at codon 725 of the BUB1B protein (p.Gln725Pro). This variant is not present in population databases (gnomAD no frequency). This variant has not been reported in the literature in individuals affected with BUB1B-related conditions. ClinVar contains an entry for this variant (Variation ID: 1502781). An algorithm developed to predict the effect of missense changes on protein structure and function (PolyPhen-2) suggests that this variant is likely to be tolerated. In summary, the available evidence is currently insufficient to determine the role of this variant in disease. Therefore, it has been classified as a Variant of Uncertain Significance.

Ambry Genetics
Classification: Uncertain significance for Inborn genetic diseases. Last evaluated: 2023-02-10. Review status: criteria provided, single submitter. Criteria: Ambry Variant Classification Scheme 2023. Collection method: clinical testing. Allele origin: germline.
Comment: The p.Q725P variant (also known as c.2174A>C), located in coding exon 17 of the BUB1B gene, results from an A to C substitution at nucleotide position 2174. The glutamine at codon 725 is replaced by proline, an amino acid with similar properties. This amino acid position is conserved. In addition, this alteration is predicted to be tolerated by in silico analysis. Since supporting evidence is limited at this time, the clinical significance of this alteration remains unclear.